The following is an entry in ClinVar:

NM_001002295.2(GATA3):c.573C>T (p.Pro191=)

Gene: GATA3 (GATA binding protein 3; plus strand). Cytogenetic location: 10p14.
Variant type: single nucleotide variant.
Coding change: c.573C>T on transcript NM_001002295.2 (MANE Select); coding-DNA position 573, C replaced by T.
Protein change: p.Pro191=; no amino-acid change (proline 191 retained).
Molecular consequence: synonymous variant.
Genome position (GRCh38, 1-based): chr10:8,058,636, C>T. VCF-style: chr10-8058636-C-T. GRCh37 (hg19) VCF-style: chr10-8100599-C-T.
Other names: p.Pro191=; c.573C>T, p.Pro191= (NM_002051.3).
Identifiers: ClinVar variation 301122 (VCV000301122.24), dbSNP rs35508267, ClinGen allele CA5404402.

ClinVar aggregate classification (germline): Benign/Likely benign. Review status: criteria provided, multiple submitters, no conflicts (2 of 4 stars). 8 submissions from 8 submitters: Benign (7); Likely benign (1). Last evaluated 2026-07-01.

Conditions:
Inborn genetic diseases. Identifiers: MedGen C0950123, MeSH D030342.
Hypoparathyroidism, deafness, renal disease syndrome (HDRS). Also called: HYPOPARATHYROIDISM, SENSORINEURAL DEAFNESS, AND RENAL DYSPLASIA SYNDROME. Identifiers: Orphanet 2237, MedGen C1840333, MONDO:0007797, OMIM 146255.

Allele frequency attached by ClinVar (database versions not stated): 1000 Genomes Project 30x 0.00703; gnomAD 0.00407 and 0.00487; ESP Exome Variant Server 0.00415; TOPMed 0.00468; gnomAD exomes 0.00861; 1000 Genomes Project 0.00719; ExAC 0.00875.
gnomAD v4.1: 9,342 of 1,612,860 alleles (0.58%); highest among the groups gnomAD compares: Middle Eastern, 3.7%; 115 homozygotes.

Submissions (8):

Ambry Genetics
Classification: Likely benign for Inborn genetic diseases. Last evaluated: 2026-07-01. Review status: criteria provided, single submitter. Criteria: Ambry Variant Classification Scheme 2023. Collection method: clinical testing. Allele origin: germline.

Labcorp Genetics (formerly Invitae), Labcorp
Classification: Benign. Last evaluated: 2026-02-01. Review status: criteria provided, single submitter. Criteria: Invitae Variant Classification Sherloc (09022015). Collection method: clinical testing. Allele origin: germline.

Mayo Clinic Laboratories, Mayo Clinic
Classification: Benign. Last evaluated: 2023-06-12. Review status: criteria provided, single submitter. Criteria: ACMG Guidelines, 2015. Collection method: clinical testing. Allele origin: germline. Observed: 2 variant alleles.
Comment: BS1, BS2, BS4, BP4, BP5, BP7

Athena Diagnostics
Classification: Benign. Last evaluated: 2019-07-12. Review status: criteria provided, single submitter. Criteria: Athena Diagnostics Criteria. Collection method: clinical testing. Allele origin: germline.

GeneDx
Classification: Benign. Last evaluated: 2018-05-17. Review status: criteria provided, single submitter. Criteria: GeneDx Variant Classification Process June 2021. Collection method: clinical testing. Allele origin: germline. Affected: yes.

Illumina Laboratory Services, Illumina
Classification: Benign for Hypoparathyroidism, deafness, renal disease syndrome. Last evaluated: 2018-01-12. Review status: criteria provided, single submitter. Criteria: ICSL Variant Classification Criteria 13 December 2019. Collection method: clinical testing. Allele origin: germline.
Comment: This variant was observed in the ICSL laboratory as part of a predisposition screen in an ostensibly healthy population. It had not been previously curated by ICSL or reported in the Human Gene Mutation Database (HGMD: prior to June 1st, 2018), and was therefore a candidate for classification through an automated scoring system. Utilizing variant allele frequency, disease prevalence and penetrance estimates, and inheritance mode, an automated score was calculated to assess if this variant is too frequent to cause the disease. Based on the score and internal cut-off values, a variant classified as benign is not then subjected to further curation. The score for this variant resulted in a classification of benign for this disease.

Laboratory for Molecular Medicine, Mass General Brigham Personalized Medicine
Classification: Benign. Last evaluated: 2016-03-21. Review status: criteria provided, single submitter. Criteria: LMM Criteria. Collection method: clinical testing. Allele origin: germline. Observed: 1 variant allele.
Comment: p.Pro191Pro in exon 3 of GATA3: This variant is not expected to have clinical si gnificance because it does not alter an amino acid residue, is not located withi n the splice consensus sequence, and has been identified in 2.70% (445/16486) of South Asian chromosomes by the Exome Aggregation Consortium (ExAC.; dbSNP rs35508267).

Breakthrough Genomics
Classification: Benign. Review status: criteria provided, single submitter. Criteria: ACMG Guidelines, 2015. Collection method: not provided. Allele origin: germline. Inheritance: Autosomal dominant inheritance. Affected: yes.

Literature cited by the submitters: PubMed 15705923 (cited by Mayo Clinic Laboratories, Mayo Clinic and Athena Diagnostics).